The following is an entry in ClinVar:

ClinVar aggregate classification (germline): Uncertain significance (1 of 4 stars; one submission).

Conditions:
Hereditary breast ovarian cancer syndrome. Also called: BRCA1- and BRCA2-Associated Hereditary Breast and Ovarian Cancer; Hereditary breast and ovarian cancer; Hereditary breast and ovarian cancer syndrome; Hereditary breast and/or ovarian cancer syndrome; Hereditary breast and ovarian cancer syndrome (HBOC); Breast and ovarian cancer. Identifiers: Orphanet 145, MedGen C0677776, MeSH D061325, MONDO:0003582. Disease mechanism: loss of function.

Submission:

Labcorp Genetics (formerly Invitae), Labcorp
Classification: Uncertain significance for Hereditary breast ovarian cancer syndrome. Last evaluated: 2021-02-07. Review status: criteria provided, single submitter. Criteria: Invitae Variant Classification Sherloc (09022015). Collection method: clinical testing. Allele origin: germline.
Comment: Advanced modeling of protein sequence and biophysical properties (such as structural, functional, and spatial information, amino acid conservation, physicochemical variation, residue mobility, and thermodynamic stability) performed at Invitae indicates that this missense variant is not expected to disrupt BRCA2 protein function. In summary, the available evidence is currently insufficient to determine the role of this variant in disease. Therefore, it has been classified as a Variant of Uncertain Significance. This sequence change replaces leucine with serine at codon 164 of the BRCA2 protein (p.Leu164Ser). The leucine residue is moderately conserved and there is a large physicochemical difference between leucine and serine. This variant is not present in population databases (ExAC no frequency). This variant has not been reported in the literature in individuals with BRCA2-related conditions.

NM_000059.4(BRCA2):c.491T>C (p.Leu164Ser)

Gene: BRCA2 (BRCA2 DNA repair associated; plus strand). Cytogenetic location: 13q13.1.
Variant type: single nucleotide variant.
Coding change: c.491T>C on transcript NM_000059.4 (MANE Select); coding-DNA position 491, T replaced by C.
Protein change: p.Leu164Ser; replaces leucine 164 with serine.
Molecular consequence: missense variant.
Genome position (GRCh38, 1-based): chr13:32,326,257, T>C. VCF-style: chr13-32326257-T-C. GRCh37 (hg19) VCF-style: chr13-32900394-T-C.
Other names: short protein forms L164S.
Identifiers: ClinVar variation 1370447 (VCV001370447.8), dbSNP rs80358717, ClinGen allele CA387757661.